The following is an entry in ClinVar:

ClinVar aggregate classification (germline): Uncertain significance (1 of 4 stars; one submission).

Allele frequency attached by ClinVar (database versions not stated): gnomAD exomes below 0.00001 and 0.00002; TOPMed below 0.00001; gnomAD 0.00001.

Submission:

Labcorp Genetics (formerly Invitae), Labcorp
Classification: Uncertain significance. Last evaluated: 2022-08-16. Review status: criteria provided, single submitter. Criteria: Invitae Variant Classification Sherloc (09022015). Collection method: clinical testing. Allele origin: germline.
Comment: This sequence change replaces alanine, which is neutral and non-polar, with proline, which is neutral and non-polar, at codon 6264 of the ADGRV1 protein (p.Ala6264Pro). This variant is present in population databases (no rsID available, gnomAD 0.0009%). This variant has not been reported in the literature in individuals affected with ADGRV1-related conditions. ClinVar contains an entry for this variant (Variation ID: 1437311). Algorithms developed to predict the effect of missense changes on protein structure and function are either unavailable or do not agree on the potential impact of this missense change (SIFT: "Deleterious"; PolyPhen-2: "Possibly Damaging"; Align-GVGD: "Class C0"). In summary, the available evidence is currently insufficient to determine the role of this variant in disease. Therefore, it has been classified as a Variant of Uncertain Significance.

NM_032119.4(ADGRV1):c.18790G>C (p.Ala6264Pro)

Gene: ADGRV1 (adhesion G protein-coupled receptor V1; plus strand). Cytogenetic location: 5q14.3.
Variant type: single nucleotide variant.
Coding change: c.18790G>C on transcript NM_032119.4 (MANE Select); coding-DNA position 18790, G replaced by C.
Protein change: p.Ala6264Pro; replaces alanine 6264 with proline.
Molecular consequence: missense variant. On other transcripts: non-coding transcript variant (1).
Genome position (GRCh38, 1-based): chr5:91,153,386, G>C. VCF-style: chr5-91153386-G-C. GRCh37 (hg19) VCF-style: chr5-90449203-G-C.
Other names: short protein forms A6264P.
Identifiers: ClinVar variation 1437311 (VCV001437311.5), dbSNP rs973565738, ClinGen allele CA123051506.